The following is an entry in ClinVar:

NM_018075.5(ANO10):c.1683G>C (p.Thr561=)

Gene: ANO10 (anoctamin 10; minus strand). Cytogenetic location: 3p22.1.
Variant type: single nucleotide variant.
Coding change: c.1683G>C on transcript NM_018075.5 (MANE Select); coding-DNA position 1683, G replaced by C.
Protein change: p.Thr561=; no amino-acid change (threonine 561 retained).
Molecular consequence: synonymous variant.
Genome position (GRCh38, 1-based): chr3:43,549,834, C>G on the plus strand (G>C on the coding strand, the complement: ANO10 is on the minus strand). VCF-style: chr3-43549834-C-G. GRCh37 (hg19) VCF-style: chr3-43591326-C-G.
Other names: p.Thr561=; c.1683G>C, p.Thr561= (NM_001204831.3, NM_001346465.2, NM_001346468.2); c.1485G>C, p.Thr495= (NM_001204832.3, NM_001346466.2, NM_001346469.2); c.1350G>C, p.Thr450= (NM_001204833.3); c.1113G>C, p.Thr371= (NM_001204834.3); c.1800G>C, p.Thr600= (NM_001346463.2, NM_001346464.2, NM_001346467.2).
Identifiers: ClinVar variation 345177 (VCV000345177.48), dbSNP rs141040660, ClinGen allele CA2340698.

ClinVar aggregate classification (germline): Conflicting classifications of pathogenicity. Review status: criteria provided, conflicting classifications (1 of 4 stars). 6 submissions from 6 submitters: Uncertain significance (1); Benign (3); Likely benign (2). Last evaluated 2026-08-01.

Conditions:
Autosomal recessive spinocerebellar ataxia 10. Identifiers: Orphanet 284289, MedGen C3150998, MONDO:0013392, OMIM 613728.

Allele frequency attached by ClinVar (database versions not stated): ESP Exome Variant Server 0.00115; 1000 Genomes Project 30x 0.00125; 1000 Genomes Project 0.00140; TOPMed 0.00148.
gnomAD v4.1: 4,246 of 1,613,778 alleles (0.26%); highest among the groups gnomAD compares: South Asian, 0.34%; 15 homozygotes.

Submissions (6):

CeGaT Center for Human Genetics Tuebingen
Classification: Likely benign. Last evaluated: 2026-08-01. Review status: criteria provided, single submitter. Criteria: CeGaT Center For Human Genetics Tuebingen Variant Classification Criteria Version 2. Collection method: clinical testing. Allele origin: germline. Affected: yes. Observed: 15 variant alleles.
Comment: ANO10: BP4, BP7

Labcorp Genetics (formerly Invitae), Labcorp
Classification: Benign. Last evaluated: 2026-02-02. Review status: criteria provided, single submitter. Criteria: Invitae Variant Classification Sherloc (09022015). Collection method: clinical testing. Allele origin: germline.

Athena Diagnostics
Classification: Benign. Last evaluated: 2025-08-27. Review status: criteria provided, single submitter. Criteria: Athena Diagnostics Criteria. Collection method: clinical testing. Allele origin: unknown.
Comment: The frequency of this variant in the general population is higher than would generally be expected for pathogenic variants in this gene. Computational tools yielded predictions that this variant is unlikely to have an effect on normal RNA splicing. This nucleotide position exhibits low evolutionary conservation.

Blueprint Genetics
Classification: Likely benign. Last evaluated: 2024-10-29. Review status: criteria provided, single submitter. Criteria: ACMG Guidelines, 2015. Collection method: clinical testing. Allele origin: germline.

Mayo Clinic Laboratories, Mayo Clinic
Classification: Benign. Last evaluated: 2024-06-05. Review status: criteria provided, single submitter. Criteria: ACMG Guidelines, 2015. Collection method: clinical testing. Allele origin: germline. Observed: 2 variant alleles.
Comment: BS1, BS2, BP4, BP7

Illumina Laboratory Services, Illumina
Classification: Uncertain significance for Autosomal recessive spinocerebellar ataxia 10. Last evaluated: 2018-01-13. Review status: criteria provided, single submitter. Criteria: ICSL Variant Classification Criteria 13 December 2019. Collection method: clinical testing. Allele origin: germline.